The following is an entry in ClinVar:

NM_000297.4(PKD2):c.208G>T (p.Gly70Ter)

Genes: PKD2 (polycystin 2, transient receptor potential cation channel; plus strand), LOC129992813 (ATAC-STARR-seq lymphoblastoid silent region 15559; plus strand). Cytogenetic location: 4q22.1.
Variant type: single nucleotide variant.
Coding change: c.208G>T on transcript NM_000297.4 (MANE Select); coding-DNA position 208, G replaced by T.
Protein change: p.Gly70Ter; replaces glycine 70 with a stop codon.
Molecular consequence: nonsense. On other transcripts: non-coding transcript variant (1).
Genome position (GRCh38, 1-based): chr4:88,007,941, G>T. VCF-style: chr4-88007941-G-T. GRCh37 (hg19) VCF-style: chr4-88929093-G-T.
Other names: short protein forms G70*.
Identifiers: ClinVar variation 2087027 (VCV002087027.5), dbSNP rs1726233533, ClinGen allele CA357625720.
Genomic context (GRCh38, chr4:88,007,941, plus strand): 5'-CGGGGCCTGGAGATCGAGATGCAGCGCATCCGGCAGGCGGCCGCGCGGGACCCCCCGGCC[G>T]GAGCCGCGGCCTCCCCTTCTCCTCCGCTCTCGTCGTGCTCCCGGCAGGCGTGGAGCCGCG-3'

ClinVar aggregate classification (germline): Pathogenic/Likely pathogenic. Review status: criteria provided, multiple submitters, no conflicts (2 of 4 stars). 2 submissions from 2 submitters: Pathogenic (1); Likely pathogenic (1). Last evaluated 2026-09-16.

Conditions:
Autosomal dominant polycystic kidney disease. Identifiers: Orphanet 730, MedGen C0085413, MONDO:0004691.
Polycystic kidney disease 2 (PKD2). Also called: POLYCYSTIC KIDNEY DISEASE, ADULT, TYPE II; Polycystic Kidney Disease 2, Autosomal Dominant; POLYCYSTIC KIDNEY DISEASE 2 WITH OR WITHOUT POLYCYSTIC LIVER DISEASE. Identifiers: MedGen C2751306, MONDO:0013131, OMIM 613095.

Submissions (2):

Institute of Medical Genetics and Applied Genomics, University Hospital Tübingen
Classification: Likely pathogenic for Polycystic kidney disease 2. Last evaluated: 2026-09-16. Review status: criteria provided, single submitter. Criteria: ACMG Guidelines, 2015. Collection method: clinical testing. Allele origin: germline. Inheritance: Autosomal dominant inheritance. Affected: yes.

Labcorp Genetics (formerly Invitae), Labcorp
Classification: Pathogenic for Autosomal dominant polycystic kidney disease. Last evaluated: 2023-01-25. Review status: criteria provided, single submitter. Criteria: Invitae Variant Classification Sherloc (09022015). Collection method: clinical testing. Allele origin: germline.
Comment: This sequence change creates a premature translational stop signal (p.Gly70*) in the PKD2 gene. It is expected to result in an absent or disrupted protein product. Loss-of-function variants in PKD2 are known to be pathogenic (PMID: 17582161, 22863349). This variant is not present in population databases (gnomAD no frequency). For these reasons, this variant has been classified as Pathogenic. This variant has not been reported in the literature in individuals affected with PKD2-related conditions.

Literature cited by the submitters: PubMed 17582161 (cited by Labcorp Genetics (formerly Invitae), Labcorp); PubMed 22863349 (cited by Labcorp Genetics (formerly Invitae), Labcorp).